The following is an entry in ClinVar:

ClinVar aggregate classification (germline): Uncertain significance (1 of 4 stars; one submission).

Allele frequency attached by ClinVar (database versions not stated): gnomAD 0.00001; ExAC 0.00008.

Submission:

Labcorp Genetics (formerly Invitae), Labcorp
Classification: Uncertain significance. Last evaluated: 2025-03-17. Review status: criteria provided, single submitter. Criteria: Invitae Variant Classification Sherloc (09022015). Collection method: clinical testing. Allele origin: germline.
Comment: This sequence change replaces arginine, which is basic and polar, with cysteine, which is neutral and slightly polar, at codon 799 of the ARMC9 protein (p.Arg799Cys). This variant is present in population databases (rs760332256, gnomAD 0.01%). This variant has not been reported in the literature in individuals affected with ARMC9-related conditions. ClinVar contains an entry for this variant (Variation ID: 1053822). Experimental studies and prediction algorithms are not available or were not evaluated, and the functional significance of this variant is currently unknown. In summary, the available evidence is currently insufficient to determine the role of this variant in disease. Therefore, it has been classified as a Variant of Uncertain Significance.

NM_001352754.2(ARMC9):c.2395C>T (p.Arg799Cys)

Gene: ARMC9 (armadillo repeat containing 9; plus strand). Cytogenetic location: 2q37.1.
Variant type: single nucleotide variant.
Coding change: c.2395C>T on transcript NM_001352754.2 (MANE Select); coding-DNA position 2395, C replaced by T.
Protein change: p.Arg799Cys; replaces arginine 799 with cysteine.
Molecular consequence: missense variant.
Genome position (GRCh38, 1-based): chr2:231,370,086, C>T. VCF-style: chr2-231370086-C-T. GRCh37 (hg19) VCF-style: chr2-232234797-C-T.
Other names: c.2395C>T, p.Arg799Cys (NM_001271466.4); short protein forms R799C.
Identifiers: ClinVar variation 1053822 (VCV001053822.10), dbSNP rs760332256, ClinGen allele CA2160606.